The following is an entry in ClinVar:

ClinVar aggregate classification (germline): Uncertain significance. Review status: criteria provided, multiple submitters, no conflicts (2 of 4 stars). 2 submissions from 2 submitters: Uncertain significance (2). Last evaluated 2024-12-02.

Allele frequency attached by ClinVar (database versions not stated): ESP Exome Variant Server 0.00023; gnomAD 0.00025; TOPMed 0.00031; gnomAD exomes 0.00044; ExAC 0.00059; 1000 Genomes Project 30x 0.00078; 1000 Genomes Project 0.00080.

Submissions (2):

Labcorp Genetics (formerly Invitae), Labcorp
Classification: Uncertain significance. Last evaluated: 2024-12-02. Review status: criteria provided, single submitter. Criteria: Invitae Variant Classification Sherloc (09022015). Collection method: clinical testing. Allele origin: germline.
Comment: This sequence change replaces arginine, which is basic and polar, with cysteine, which is neutral and slightly polar, at codon 188 of the EXOC3L2 protein (p.Arg188Cys). This variant is present in population databases (rs143444923, gnomAD 0.2%). This variant has not been reported in the literature in individuals affected with EXOC3L2-related conditions. ClinVar contains an entry for this variant (Variation ID: 2056980). An algorithm developed to predict the effect of missense changes on protein structure and function (PolyPhen-2) suggests that this variant is likely to be disruptive. In summary, the available evidence is currently insufficient to determine the role of this variant in disease. Therefore, it has been classified as a Variant of Uncertain Significance.

GeneDx
Classification: Uncertain significance. Last evaluated: 2023-04-13. Review status: criteria provided, single submitter. Criteria: GeneDx Variant Classification Process June 2021. Collection method: clinical testing. Allele origin: germline. Affected: yes.
Comment: In silico analysis supports that this missense variant has a deleterious effect on protein structure/function; Has not been previously published as pathogenic or benign to our knowledge

NM_001382422.1(EXOC3L2):c.1741C>T (p.Arg581Cys)

Gene: EXOC3L2 (exocyst complex component 3 like 2; minus strand). Cytogenetic location: 19q13.32.
Variant type: single nucleotide variant.
Coding change: c.1741C>T on transcript NM_001382422.1 (MANE Select); coding-DNA position 1741, C replaced by T.
Protein change: p.Arg581Cys; replaces arginine 581 with cysteine.
Molecular consequence: missense variant.
Genome position (GRCh38, 1-based): chr19:45,218,298, G>A on the plus strand (C>T on the coding strand, the complement: EXOC3L2 is on the minus strand). VCF-style: chr19-45218298-G-A. GRCh37 (hg19) VCF-style: chr19-45721556-G-A.
Other names: NM_138568.3:c.562C>T; short protein forms R581C.
Identifiers: ClinVar variation 2056980 (VCV002056980.3), dbSNP rs143444923, ClinGen allele CA9510504.
Genomic context (GRCh38, chr19:45,218,298, plus strand): 5'-GGGCACCCAGCGTGCCCACGATGCCATCCAGGGCCTCCGGGCTGCTCAGCCACTTCCGGC[G>A]CATCAGCTTGTTGAAGTGTGGCTGGCAGGGACAGAGTAGGGGGTCACGCTCTCCTCCCTC-3'
Protein context (NP_001369351.1, residues 571-591): ELQPHFNKLM[Arg581Cys]RKWLSSPEAL